The following is an entry in ClinVar:

ClinVar aggregate classification (germline): Pathogenic (1 of 4 stars; one submission).

Conditions:
Fanconi anemia (FA). Also called: Fanconi's anemia. Identifiers: Orphanet 84, MedGen C0015625, MeSH D005199, MONDO:0019391.

Submission:

Labcorp Genetics (formerly Invitae), Labcorp
Classification: Pathogenic for Fanconi anemia. Last evaluated: 2018-10-03. Review status: criteria provided, single submitter. Criteria: Invitae Variant Classification Sherloc (09022015). Collection method: clinical testing. Allele origin: germline.
Comment: This variant is an out-of-frame deletion of the genomic region encompassing exons 22-28 of the FANCA gene. This is expected to create a premature translational stop signal and result in an absent or disrupted protein product. Deletion of exons 22-28 has been observed to be homozygous or in combination with anotherÂ¬â€ FANCAÂ¬â€ variant in individuals affected withÂ¬â€ Fanconi anemiaÂ¬â€ (PMID:Â¬â€ 17924555,Â¬â€ 29098742). Loss-of-function variants in FANCA are known to be pathogenic (PMID: 19367192). For these reasons, this variant has been classified as Pathogenic.

NC_000016.10:g.(?_89764880)_(89773394_?)del

Genes: FANCA (FA complementation group A; minus strand), LOC130059837 (ATAC-STARR-seq lymphoblastoid active region 11420; plus strand), LOC130059838 (ATAC-STARR-seq lymphoblastoid active region 11421; plus strand). Cytogenetic location: 16q24.3.
Variant type: Deletion.
Identifiers: ClinVar variation 644835 (VCV000644835.1).